The following is an entry in ClinVar:

NM_017777.4(MKS1):c.-23A>G

Genes: MKS1 (MKS transition zone complex subunit 1; minus strand), LOC130061271 (ATAC-STARR-seq lymphoblastoid active region 12461; plus strand). Cytogenetic location: 17q22.
Variant type: single nucleotide variant.
Coding change: c.-23A>G on transcript NM_017777.4 (MANE Select); 23 bases upstream of the start codon, A replaced by G.
Molecular consequence: 5 prime UTR variant.
Genome position (GRCh38, 1-based): chr17:58,219,253, T>C on the plus strand (A>G on the coding strand, the complement: MKS1 is on the minus strand). VCF-style: chr17-58219253-T-C. GRCh37 (hg19) VCF-style: chr17-56296614-T-C.
Other names: NM_001165927.1:c.50+209A>G; c.-534A>G (NM_001321268.2); c.-23A>G (NM_001321269.2, NM_001330397.2, NM_001411113.1).
Identifiers: ClinVar variation 3355671 (VCV003355671.1).
Genomic context (GRCh38, chr17:58,219,253, plus strand): 5'-GCCTCCCCGGTGTCAGTGCTCCAGACGGTCTCCGCCATGACAGCTGCGACGCGCCGCGAC[T>C]GCGCCGGAAAGCGCGCCGCTCTGTTTTCCTGGCAACGGAGACGCTGGATCGGGAGGCGAC-3'

ClinVar aggregate classification (germline): Likely benign (0 of 4 stars; one submission).

Conditions:
MKS1-related disorder. Also called: MKS1-related condition; MKS1-related disorders. Identifiers: MedGen CN239382.

gnomAD v4.1: 1 of 1,549,116 alleles (0.000065%); highest among the groups gnomAD compares: Non-Finnish European, 0.000087%; no homozygotes.

Submission:

PreventionGenetics, part of Exact Sciences
Classification: Likely benign for MKS1-related condition. Last evaluated: 2021-11-08. Review status: no assertion criteria provided. Collection method: clinical testing. Allele origin: germline.
Comment: This variant is classified as likely benign based on ACMG/AMP sequence variant interpretation guidelines (Richards et al. 2015 PMID: 25741868, with internal and published modifications).